The following is an entry in ClinVar:

ClinVar aggregate classification (germline): Pathogenic/Likely pathogenic. Review status: criteria provided, multiple submitters, no conflicts (2 of 4 stars). 4 submissions from 4 submitters: Pathogenic (1); Likely pathogenic (2). 1 of the submissions does not count toward it. Last evaluated 2025-01-21.

Conditions:
Upshaw-Schulman syndrome (TTP). Also called: Congenital thrombotic thrombocytopenic purpura; THROMBOTIC THROMBOCYTOPENIC PURPURA, HEREDITARY. Identifiers: Orphanet 93583, MedGen C1268935, MONDO:0010122, OMIM 274150.

Allele frequency attached by ClinVar (database versions not stated): gnomAD exomes below 0.00001; TOPMed below 0.00001; gnomAD 0.00001.
gnomAD v4.1: 7 of 1,612,504 alleles (0.00043%); highest among the groups gnomAD compares: African/African-American, 0.0013%; no homozygotes.

Submissions (4):

Mayo Clinic Laboratories, Mayo Clinic
Classification: Likely pathogenic. Last evaluated: 2025-01-21. Review status: criteria provided, single submitter. Criteria: ACMG Guidelines, 2015. Collection method: clinical testing. Allele origin: germline. Observed: 1 variant allele.
Comment: PM1_supporting, PM2_supporting, PS3

Fulgent Genetics
Classification: Likely pathogenic for Upshaw-Schulman syndrome. Last evaluated: 2024-05-10. Review status: criteria provided, single submitter. Criteria: ACMG Guidelines, 2015. Collection method: clinical testing. Allele origin: germline.

Labcorp Genetics (formerly Invitae), Labcorp
Classification: Pathogenic. Last evaluated: 2021-12-24. Review status: criteria provided, single submitter. Criteria: Invitae Variant Classification Sherloc (09022015). Collection method: clinical testing. Allele origin: germline.
Comment: This variant is not present in population databases (gnomAD no frequency). This missense change has been observed in individual(s) with congenital thrombotic thrombocytopenic purpura (PMID: 14563640, 17003922, 30792199). In at least one individual the data is consistent with being in trans (on the opposite chromosome) from a pathogenic variant. ClinVar contains an entry for this variant (Variation ID: 68816). Algorithms developed to predict the effect of missense changes on protein structure and function (SIFT, PolyPhen-2, Align-GVGD) all suggest that this variant is likely to be disruptive. Experimental studies have shown that this missense change affects ADAMTS13 function (PMID: 17003922). This variant disrupts the p.Arg1123 amino acid residue in ADAMTS13. Other variant(s) that disrupt this residue have been observed in individuals with ADAMTS13-related conditions (PMID: 24033710), which suggests that this may be a clinically significant amino acid residue. For these reasons, this variant has been classified as Pathogenic. This sequence change replaces arginine, which is basic and polar, with cysteine, which is neutral and slightly polar, at codon 1123 of the ADAMTS13 protein (p.Arg1123Cys).

UniProtKB/Swiss-Prot
No classification provided. Review status: no classification provided. Collection method: not provided. Allele origin: not provided. Not counted in ClinVar's aggregate classification.

Literature cited by the submitters: PubMed 14563640 (cited by Mayo Clinic Laboratories, Mayo Clinic and Labcorp Genetics (formerly Invitae), Labcorp); PubMed 17003922 (cited by Mayo Clinic Laboratories, Mayo Clinic and Labcorp Genetics (formerly Invitae), Labcorp); PubMed 30792199 (cited by Labcorp Genetics (formerly Invitae), Labcorp); PubMed 24033710 (cited by Labcorp Genetics (formerly Invitae), Labcorp).

NM_139027.6(ADAMTS13):c.3367C>T (p.Arg1123Cys)

Gene: ADAMTS13 (ADAM metallopeptidase with thrombospondin type 1 motif 13; plus strand). Cytogenetic location: 9q34.2.
Variant type: single nucleotide variant.
Coding change: c.3367C>T on transcript NM_139027.6 (MANE Select); coding-DNA position 3367, C replaced by T.
Protein change: p.Arg1123Cys; replaces arginine 1123 with cysteine.
Molecular consequence: missense variant. On other transcripts: non-coding transcript variant (1).
Genome position (GRCh38, 1-based): chr9:133,455,402, C>T. VCF-style: chr9-133455402-C-T. GRCh37 (hg19) VCF-style: chr9-136320524-C-T.
Other names: c.3367C>T (NM_139025.4); c.3367C>T, p.Arg1123Cys (NM_139025.5); c.3274C>T, p.Arg1092Cys (NM_139026.6); short protein forms R1123C, R1092C.
Identifiers: ClinVar variation 68816 (VCV000068816.7), dbSNP rs281875340, ClinGen allele CA220025.